The following is an entry in ClinVar:

ClinVar aggregate classification (germline): Uncertain significance (1 of 4 stars; one submission).

Conditions:
Thrombophilia due to protein S deficiency, autosomal recessive (THPH6). Identifiers: Orphanet 743, MedGen C3281092, MONDO:0013791, OMIM 614514. Disease mechanism: loss of function.

Submission:

Labcorp Genetics (formerly Invitae), Labcorp
Classification: Uncertain significance for Thrombophilia due to protein S deficiency, autosomal recessive. Last evaluated: 2024-12-05. Review status: criteria provided, single submitter. Criteria: Invitae Variant Classification Sherloc (09022015). Collection method: clinical testing. Allele origin: germline.
Comment: This variant, c.974_976del, results in the deletion of 1 amino acid(s) of the PROS1 protein (p.Ala325del), but otherwise preserves the integrity of the reading frame. This variant is not present in population databases (gnomAD no frequency). This variant has not been reported in the literature in individuals affected with PROS1-related conditions. Experimental studies and prediction algorithms are not available or were not evaluated, and the functional significance of this variant is currently unknown. In summary, the available evidence is currently insufficient to determine the role of this variant in disease. Therefore, it has been classified as a Variant of Uncertain Significance.

NM_000313.4(PROS1):c.971CAG[1] (p.Ala325del)

Gene: PROS1 (protein S; minus strand). Cytogenetic location: 3q11.1.
Variant type: Microsatellite.
Coding change: c.971CAG[1] on transcript NM_000313.4 (MANE Select); one copy of the 3-base unit CAG starting at c.971; the reference has two copies in a row; one copy, 3 bases deleted.
Protein change: p.Ala325del; deletes alanine 325.
Genome position (GRCh38, 1-based): chr3:93,893,112-93,893,114, CTG deleted on the plus strand (CAG on the coding strand, the reverse complement: PROS1 is on the minus strand); deleting any 3 consecutive bases within chr3:93,893,112-93,893,117 gives the same sequence; the position shown is the placement nearest the transcript's 3' end. VCF-style (leftmost placement, unchanged base first): chr3-93893111-TCTG-T. GRCh37 (hg19) VCF-style: chr3-93611955-TCTG-T.
Other names: c.1067CAG[1], p.Ala357del (NM_001314077.2); short protein forms A357del, A325del.
Identifiers: ClinVar variation 3726696 (VCV003726696.2).